The following is an entry in ClinVar:

NM_001354768.3(NRL):c.607G>A (p.Ala203Thr)

Genes: NRL (neural retina leucine zipper; minus strand), LOC130055387 (ATAC-STARR-seq lymphoblastoid silent region 5620; plus strand). Cytogenetic location: 14q11.2.
Variant type: single nucleotide variant.
Coding change: c.607G>A on transcript NM_001354768.3 (MANE Select); coding-DNA position 607, G replaced by A.
Protein change: p.Ala203Thr; replaces alanine 203 with threonine.
Molecular consequence: missense variant.
Genome position (GRCh38, 1-based): chr14:24,081,343, C>T on the plus strand (G>A on the coding strand, the complement: NRL is on the minus strand). VCF-style: chr14-24081343-C-T. GRCh37 (hg19) VCF-style: chr14-24550552-C-T.
Other names: c.607G>A, p.Ala203Thr (NM_001354769.1, NM_006177.5); c.292G>A, p.Ala98Thr (NM_001354770.2); short protein forms A203T, A98T.
Identifiers: ClinVar variation 848677 (VCV000848677.11), dbSNP rs976510478, ClinGen allele CA257868064.
Genomic context (GRCh38, chr14:24,081,343, plus strand): 5'-TTAGCCGGTCACAGCGAGCCTTGTAGAGATCGCGCTCCCGGGCCAGGCGGGCCACCTCGG[C>T]CCGCAGCGCGTCCAGCTGGGCGGCCAGGCGGGCGCGCTCGGCCTCCAGCCCGCGCCGCTG-3'
Protein context (NP_001341697.1, residues 193-213): RLAAQLDALR[Ala203Thr]EVARLARERD

ClinVar aggregate classification (germline): Uncertain significance. Review status: criteria provided, multiple submitters, no conflicts (2 of 4 stars). 2 submissions from 2 submitters: Uncertain significance (2). Last evaluated 2025-11-13.

Conditions:
Inborn genetic diseases. Identifiers: MedGen C0950123, MeSH D030342.

Allele frequency attached by ClinVar (database versions not stated): gnomAD exomes below 0.00001; gnomAD 0.00001; TOPMed 0.00002.
gnomAD v4.1: 3 of 1,468,462 alleles (0.0002%); highest among the groups gnomAD compares: African/African-American, 0.0029%; no homozygotes.

Submissions (2):

Ambry Genetics
Classification: Uncertain significance for Inborn genetic diseases. Last evaluated: 2025-11-13. Review status: criteria provided, single submitter. Criteria: Ambry Variant Classification Scheme 2023. Collection method: clinical testing. Allele origin: germline.

Labcorp Genetics (formerly Invitae), Labcorp
Classification: Uncertain significance. Last evaluated: 2024-11-23. Review status: criteria provided, single submitter. Criteria: Invitae Variant Classification Sherloc (09022015). Collection method: clinical testing. Allele origin: germline.
Comment: This sequence change replaces alanine, which is neutral and non-polar, with threonine, which is neutral and polar, at codon 203 of the NRL protein (p.Ala203Thr). This variant is not present in population databases (gnomAD no frequency). This missense change has been observed in individual(s) with clinical features of NRL-related conditions (internal data). ClinVar contains an entry for this variant (Variation ID: 848677). An algorithm developed to predict the effect of missense changes on protein structure and function outputs the following: PolyPhen-2: "Benign". The threonine amino acid residue is found in multiple mammalian species, which suggests that this missense change does not adversely affect protein function. In summary, the available evidence is currently insufficient to determine the role of this variant in disease. Therefore, it has been classified as a Variant of Uncertain Significance.